The following is an entry in ClinVar:

NM_001035.3(RYR2):c.3614G>A (p.Cys1205Tyr)

Gene: RYR2 (ryanodine receptor 2; plus strand). Cytogenetic location: 1q43.
Variant type: single nucleotide variant.
Coding change: c.3614G>A on transcript NM_001035.3 (MANE Select); coding-DNA position 3614, G replaced by A.
Protein change: p.Cys1205Tyr; replaces cysteine 1205 with tyrosine.
Molecular consequence: missense variant.
Genome position (GRCh38, 1-based): chr1:237,589,808, G>A. VCF-style: chr1-237589808-G-A. GRCh37 (hg19) VCF-style: chr1-237753108-G-A.
Other names: short protein forms C1205Y.
Identifiers: ClinVar variation 4686144 (VCV004686144.1).

ClinVar aggregate classification (germline): Uncertain significance (1 of 4 stars; one submission).

Submission:

GeneDx
Classification: Uncertain significance. Last evaluated: 2025-07-14. Review status: criteria provided, single submitter. Criteria: GeneDx Variant Classification Process June 2021. Collection method: clinical testing. Allele origin: germline. Affected: yes.
Comment: Not observed at significant frequency in large population cohorts (gnomAD); In silico analysis supports that this missense variant has a deleterious effect on protein structure/function; Has not been previously published as pathogenic or benign to our knowledge; Not located in one of the three hot-spot regions of the RYR2 gene, where the majority of pathogenic missense variants occur (PMID: 19926015); This variant is associated with the following publications: (PMID: 19926015)